The following is an entry in ClinVar:

ClinVar aggregate classification (germline): Benign (1 of 4 stars; one submission).

Submission:

CeGaT Center for Human Genetics Tuebingen
Classification: Benign. Last evaluated: 2025-05-01. Review status: criteria provided, single submitter. Criteria: CeGaT Center For Human Genetics Tuebingen Variant Classification Criteria Version 2. Collection method: clinical testing. Allele origin: germline. Affected: yes. Observed: 1 variant allele.
Comment: FAM13A: BP4, BS1, BS2

NM_014883.4(FAM13A):c.857G>A (p.Arg286Lys)

Gene: FAM13A (family with sequence similarity 13 member A; minus strand). Cytogenetic location: 4q22.1.
Variant type: single nucleotide variant.
Coding change: c.857G>A on transcript NM_014883.4 (MANE Select); coding-DNA position 857, G replaced by A.
Protein change: p.Arg286Lys; replaces arginine 286 with lysine.
Molecular consequence: missense variant.
Genome position (GRCh38, 1-based): chr4:88,851,170, C>T on the plus strand (G>A on the coding strand, the complement: FAM13A is on the minus strand). VCF-style: chr4-88851170-C-T. GRCh37 (hg19) VCF-style: chr4-89772321-C-T.
Other names: short protein forms R286K.
Identifiers: ClinVar variation 3904856 (VCV003904856.10).